The following is an entry in ClinVar:

NM_000257.4(MYH7):c.768A>G (p.Gly256=)

Gene: MYH7 (myosin heavy chain 7; minus strand). Cytogenetic location: 14q11.2.
Variant type: single nucleotide variant.
Coding change: c.768A>G on transcript NM_000257.4 (MANE Select); coding-DNA position 768, A replaced by G.
Protein change: p.Gly256=; no amino-acid change (glycine 256 retained).
Molecular consequence: synonymous variant.
Genome position (GRCh38, 1-based): chr14:23,431,446, T>C on the plus strand (A>G on the coding strand, the complement: MYH7 is on the minus strand). VCF-style: chr14-23431446-T-C. GRCh37 (hg19) VCF-style: chr14-23900655-T-C.
Other names: c.768A>G (LRG_384t1).
Identifiers: ClinVar variation 387008 (VCV000387008.11), dbSNP rs1057522662, ClinGen allele CA16606829.

ClinVar aggregate classification (germline): Likely benign. Review status: criteria provided, multiple submitters, no conflicts (2 of 4 stars). 3 submissions from 3 submitters: Likely benign (3). Last evaluated 2024-06-19.

Conditions:
Cardiomyopathy (CMYO). Also called: Cardiomyopathies. Identifiers: Orphanet 167848, MedGen C0878544, MONDO:0004994, HP:0001638. Inheritance: Various modes of inheritance.
Hypertrophic cardiomyopathy. Also called: HYPERTROPHIC MYOCARDIOPATHY. Identifiers: Orphanet 217569, MedGen C0007194, MeSH D002312, MONDO:0005045, HP:0001639.

Allele frequency attached by ClinVar (database versions not stated): gnomAD exomes below 0.00001.
gnomAD v4.1: 7 of 1,614,206 alleles (0.00043%); highest among the groups gnomAD compares: Non-Finnish European, 0.00051%; no homozygotes.

Submissions (3):

Labcorp Genetics (formerly Invitae), Labcorp
Classification: Likely benign for Hypertrophic cardiomyopathy. Last evaluated: 2024-06-19. Review status: criteria provided, single submitter. Criteria: Invitae Variant Classification Sherloc (09022015). Collection method: clinical testing. Allele origin: germline.

Color Diagnostics, LLC DBA Color Health
Classification: Likely benign for Cardiomyopathy. Last evaluated: 2018-10-21. Review status: criteria provided, single submitter. Criteria: ACMG Guidelines, 2015. Collection method: clinical testing. Allele origin: germline.

GeneDx
Classification: Likely benign. Last evaluated: 2016-07-07. Review status: criteria provided, single submitter. Criteria: GeneDx Variant Classification (06012015). Collection method: clinical testing. Allele origin: germline. Affected: yes.
Comment: This variant is considered likely benign or benign based on one or more of the following criteria: it is a conservative change, it occurs at a poorly conserved position in the protein, it is predicted to be benign by multiple in silico algorithms, and/or has population frequency not consistent with disease.